The following is an entry in ClinVar:

NM_025099.6(CTC1):c.813G>T (p.Trp271Cys)

Gene: CTC1 (CST telomere replication complex component 1; minus strand). Cytogenetic location: 17p13.1.
Variant type: single nucleotide variant.
Coding change: c.813G>T on transcript NM_025099.6 (MANE Select); coding-DNA position 813, G replaced by T.
Protein change: p.Trp271Cys; replaces tryptophan 271 with cysteine.
Molecular consequence: missense variant. On other transcripts: non-coding transcript variant (1).
Genome position (GRCh38, 1-based): chr17:8,236,322, C>A on the plus strand (G>T on the coding strand, the complement: CTC1 is on the minus strand). VCF-style: chr17-8236322-C-A. GRCh37 (hg19) VCF-style: chr17-8139640-C-A.
Other names: c.813G>T, p.Trp271Cys (NM_001411067.1); short protein forms W271C.
Identifiers: ClinVar variation 2036950 (VCV002036950.4), dbSNP rs1437451628, ClinGen allele CA397989134.
Genomic context (GRCh38, chr17:8,236,322, plus strand): 5'-GATCTTGGACACTCGCAGTTCTGTCAGCACATAGGCTGTACCAGGCCGAAGGGCTCTGTG[C>A]CACACCAGCTGGGCAGGGACCTGGCTTGTGCAGAGACAGGCAATGTGACACAAGAGACCC-3'
Protein context (NP_079375.3, residues 261-281): IIVQVPAQLV[Trp271Cys]HRALRPGTAY

ClinVar aggregate classification (germline): Uncertain significance (1 of 4 stars; one submission).

Conditions:
Dyskeratosis congenita. Identifiers: Orphanet 1775, MedGen C0265965, MONDO:0015780.

Allele frequency attached by ClinVar (database versions not stated): gnomAD exomes below 0.00001.
gnomAD v4.1: 1 of 1,608,576 alleles (0.000062%); highest among the groups gnomAD compares: East Asian, 0.0022%; no homozygotes.

Submission:

Labcorp Genetics (formerly Invitae), Labcorp
Classification: Uncertain significance for Dyskeratosis congenita. Last evaluated: 2022-07-11. Review status: criteria provided, single submitter. Criteria: Invitae Variant Classification Sherloc (09022015). Collection method: clinical testing. Allele origin: germline.
Comment: In summary, the available evidence is currently insufficient to determine the role of this variant in disease. Therefore, it has been classified as a Variant of Uncertain Significance. Algorithms developed to predict the effect of missense changes on protein structure and function are either unavailable or do not agree on the potential impact of this missense change (SIFT: "Deleterious"; PolyPhen-2: "Probably Damaging"; Align-GVGD: "Class C0"). This variant has not been reported in the literature in individuals affected with CTC1-related conditions. This variant is present in population databases (no rsID available, gnomAD 0.006%). This sequence change replaces tryptophan, which is neutral and slightly polar, with cysteine, which is neutral and slightly polar, at codon 271 of the CTC1 protein (p.Trp271Cys).